The following is an entry in ClinVar:

ClinVar aggregate classification (germline): Uncertain significance (1 of 4 stars; one submission).

Conditions:
Cardiovascular phenotype. Identifiers: MedGen CN230736.

Submission:

Ambry Genetics
Classification: Uncertain significance for Cardiovascular phenotype. Last evaluated: 2024-07-07. Review status: criteria provided, single submitter. Criteria: Ambry Variant Classification Scheme 2023. Collection method: clinical testing. Allele origin: germline.
Comment: The p.G311S variant (also known as c.931G>A), located in coding exon 7 of the SCN10A gene, results from a G to A substitution at nucleotide position 931. The glycine at codon 311 is replaced by serine, an amino acid with similar properties. This amino acid position is conserved. In addition, this alteration is predicted to be deleterious by in silico analysis. Based on the available evidence, the clinical significance of this variant remains unclear.

NM_006514.4(SCN10A):c.931G>A (p.Gly311Ser)

Gene: SCN10A (sodium voltage-gated channel alpha subunit 10; minus strand). Cytogenetic location: 3p22.2.
Variant type: single nucleotide variant.
Coding change: c.931G>A on transcript NM_006514.4 (MANE Select); coding-DNA position 931, G replaced by A.
Protein change: p.Gly311Ser; replaces glycine 311 with serine.
Molecular consequence: missense variant.
Genome position (GRCh38, 1-based): chr3:38,760,700, C>T on the plus strand (G>A on the coding strand, the complement: SCN10A is on the minus strand). VCF-style: chr3-38760700-C-T. GRCh37 (hg19) VCF-style: chr3-38802191-C-T.
Other names: c.931G>A, p.Gly311Ser (NM_001293306.2, NM_001293307.2); short protein forms G311S.
Identifiers: ClinVar variation 3438094 (VCV003438094.1).
Genomic context (GRCh38, chr3:38,760,700, plus strand): 5'-ATTGTTGGGCACTCGTGCTTTGTCATAAGTTGGGAACTCACCCTGAGTCAGATCCATTGC[C>T]ACACAGTAAGGGGTCAGAAGTGCCTCGCTTATTTATGTAGATATCTGCTGAAGAAAGGAA-3'
Protein context (NP_006505.4, residues 301-321): KRGTSDPLLC[Gly311Ser]NGSDSGHCPD